The following is an entry in ClinVar:

NM_182914.3(SYNE2):c.20190+14C>T

Gene: SYNE2 (spectrin repeat containing nuclear envelope protein 2; plus strand). Cytogenetic location: 14q23.2.
Variant type: single nucleotide variant.
Coding change: c.20190+14C>T on transcript NM_182914.3 (MANE Select); 14 bases into the intron after coding-DNA position 20190, C replaced by T.
Molecular consequence: intron variant.
Genome position (GRCh38, 1-based): chr14:64,221,718, C>T. VCF-style: chr14-64221718-C-T. GRCh37 (hg19) VCF-style: chr14-64688436-C-T.
Other names: c.20121+14C>T (NM_015180.6); c.1134+14C>T (NM_182913.4); c.756+14C>T (NM_182910.2).
Identifiers: ClinVar variation 880679 (VCV000880679.12), dbSNP rs201963415, ClinGen allele CA7224749.

ClinVar aggregate classification (germline): Benign/Likely benign. Review status: criteria provided, multiple submitters, no conflicts (2 of 4 stars). 3 submissions from 3 submitters: Benign (1); Likely benign (2). Last evaluated 2025-10-02.

Conditions:
Emery-Dreifuss muscular dystrophy 5, autosomal dominant (EDMD5). Also called: EMERY-DREIFUSS MUSCULAR DYSTROPHY 5. Identifiers: Orphanet 261, MedGen C2751805, MONDO:0013072, OMIM 612999.

Allele frequency attached by ClinVar (database versions not stated): TOPMed 0.00008; gnomAD 0.00009; gnomAD exomes 0.00009; ExAC 0.00012; ESP Exome Variant Server 0.00015; 1000 Genomes Project 30x 0.00016; 1000 Genomes Project 0.00020.
gnomAD v4.1: 105 of 1,613,504 alleles (0.0065%); highest among the groups gnomAD compares: Non-Finnish European, 0.0081%; no homozygotes.

Submissions (3):

Labcorp Genetics (formerly Invitae), Labcorp
Classification: Likely benign for Emery-Dreifuss muscular dystrophy 5, autosomal dominant. Last evaluated: 2025-10-02. Review status: criteria provided, single submitter. Criteria: Invitae Variant Classification Sherloc (09022015). Collection method: clinical testing. Allele origin: germline.

Blueprint Genetics
Classification: Likely benign. Last evaluated: 2024-10-15. Review status: criteria provided, single submitter. Criteria: ACMG Guidelines, 2015. Collection method: clinical testing. Allele origin: germline.

Illumina Laboratory Services, Illumina
Classification: Benign for Emery-Dreifuss muscular dystrophy 5, autosomal dominant. Last evaluated: 2018-01-13. Review status: criteria provided, single submitter. Criteria: ICSL Variant Classification Criteria 13 December 2019. Collection method: clinical testing. Allele origin: germline.
Comment: This variant was observed in the ICSL laboratory as part of a predisposition screen in an ostensibly healthy population. It had not been previously curated by ICSL or reported in the Human Gene Mutation Database (HGMD: prior to June 1st, 2018), and was therefore a candidate for classification through an automated scoring system. Utilizing variant allele frequency, disease prevalence and penetrance estimates, and inheritance mode, an automated score was calculated to assess if this variant is too frequent to cause the disease. Based on the score and internal cut-off values, a variant classified as benign is not then subjected to further curation. The score for this variant resulted in a classification of benign for this disease.